The following is an entry in ClinVar:

ClinVar aggregate classification (germline): Uncertain significance (1 of 4 stars; one submission).

Conditions:
Hereditary cancer-predisposing syndrome. Also called: Hereditary Cancer Syndrome; Hereditary neoplastic syndrome; Tumor predisposition; Neoplastic Syndromes, Hereditary. Identifiers: Orphanet 140162, MedGen C0027672, MeSH D009386, MONDO:0015356.

Submission:

Ambry Genetics
Classification: Uncertain significance for Hereditary cancer-predisposing syndrome. Last evaluated: 2022-07-22. Review status: criteria provided, single submitter. Criteria: Ambry Variant Classification Scheme 2023. Collection method: clinical testing. Allele origin: germline.
Comment: The p.V803A variant (also known as c.2408T>C), located in coding exon 14 of the PMS2 gene, results from a T to C substitution at nucleotide position 2408. The valine at codon 803 is replaced by alanine, an amino acid with similar properties. This amino acid position is highly conserved in available vertebrate species. In addition, this alteration is predicted to be deleterious by in silico analysis. Since supporting evidence is limited at this time, the clinical significance of this alteration remains unclear.

NM_000535.7(PMS2):c.2408T>C (p.Val803Ala)

Gene: PMS2 (PMS1 homolog 2, mismatch repair system component; minus strand). Cytogenetic location: 7p22.1.
Variant type: single nucleotide variant.
Coding change: c.2408T>C on transcript NM_000535.7 (MANE Select); coding-DNA position 2408, T replaced by C.
Protein change: p.Val803Ala; replaces valine 803 with alanine.
Molecular consequence: missense variant. On other transcripts: non-coding transcript variant (1).
Genome position (GRCh38, 1-based): chr7:5,977,625, A>G on the plus strand (T>C on the coding strand, the complement: PMS2 is on the minus strand). VCF-style: chr7-5977625-A-G. GRCh37 (hg19) VCF-style: chr7-6017256-A-G.
Other names: c.2003T>C, p.Val668Ala (NM_001018040.1, NM_001322003.2, NM_001322004.2 and 12 more transcripts); c.2252T>C, p.Val751Ala (NM_001322006.2); c.2090T>C, p.Val697Ala (NM_001322007.2, NM_001322008.2, NM_001406883.1); c.2036T>C, p.Val679Ala (NM_001322009.2, NM_001406887.1, NM_001406888.1); c.1847T>C, p.Val616Ala (NM_001322010.2, NM_001406906.1, NM_001406907.1); c.1475T>C, p.Val492Ala (NM_001322011.2, NM_001322012.2); c.1835T>C, p.Val612Ala (NM_001322013.2, NM_001406908.1, NM_001406909.1); c.2441T>C, p.Val814Ala (NM_001322014.2); and 20 more; short protein forms V492A, V648A, V668A, V691A, V695A, V697A, V711A, V811A.
Identifiers: ClinVar variation 1790835 (VCV001790835.2), dbSNP rs2128672317, ClinGen allele CA366735661.